The following is an entry in ClinVar:

NM_006445.4(PRPF8):c.2964C>T (p.Ile988=)

Gene: PRPF8 (pre-mRNA processing factor 8; minus strand). Cytogenetic location: 17p13.3.
Variant type: single nucleotide variant.
Coding change: c.2964C>T on transcript NM_006445.4 (MANE Select); coding-DNA position 2964, C replaced by T.
Protein change: p.Ile988=; no amino-acid change (isoleucine 988 retained).
Molecular consequence: synonymous variant.
Genome position (GRCh38, 1-based): chr17:1,675,248, G>A on the plus strand (C>T on the coding strand, the complement: PRPF8 is on the minus strand). VCF-style: chr17-1675248-G-A. GRCh37 (hg19) VCF-style: chr17-1578542-G-A.
Identifiers: ClinVar variation 2078780 (VCV002078780.4), dbSNP rs780110077, ClinGen allele CA8272006.

ClinVar aggregate classification (germline): Uncertain significance (1 of 4 stars; one submission).

Allele frequency attached by ClinVar (database versions not stated): TOPMed 0.00002; ExAC 0.00003; gnomAD 0.00001.
gnomAD v4.1: 39 of 1,614,014 alleles (0.0024%); highest among the groups gnomAD compares: Non-Finnish European, 0.0031%; no homozygotes.

Submission:

Labcorp Genetics (formerly Invitae), Labcorp
Classification: Uncertain significance. Last evaluated: 2022-06-12. Review status: criteria provided, single submitter. Criteria: Invitae Variant Classification Sherloc (09022015). Collection method: clinical testing. Allele origin: germline.
Comment: In summary, the available evidence is currently insufficient to determine the role of this variant in disease. Therefore, it has been classified as a Variant of Uncertain Significance. Algorithms developed to predict the effect of sequence changes on RNA splicing suggest that this variant may create or strengthen a splice site. This variant has not been reported in the literature in individuals affected with PRPF8-related conditions. This variant is present in population databases (rs780110077, gnomAD 0.004%). This sequence change affects codon 988 of the PRPF8 mRNA. It is a 'silent' change, meaning that it does not change the encoded amino acid sequence of the PRPF8 protein.